The following is an entry in ClinVar:

NM_014425.5(INVS):c.153A>G (p.Pro51=)

Gene: INVS (inversin; plus strand). Cytogenetic location: 9q31.1.
Variant type: single nucleotide variant.
Coding change: c.153A>G on transcript NM_014425.5 (MANE Select); coding-DNA position 153, A replaced by G.
Protein change: p.Pro51=; no amino-acid change (proline 51 retained).
Molecular consequence: synonymous variant. On other transcripts: 5 prime UTR variant (2), non-coding transcript variant (1).
Genome position (GRCh38, 1-based): chr9:100,126,429, A>G. VCF-style: chr9-100126429-A-G. GRCh37 (hg19) VCF-style: chr9-102888711-A-G.
Other names: c.-224A>G (NM_001318381.2); c.-837A>G (NM_001318382.2); c.153A>G (NM_014425.4).
Identifiers: ClinVar variation 1604808 (VCV001604808.9), dbSNP rs1348116871, ClinGen allele CA466559500.

ClinVar aggregate classification (germline): Likely benign. Review status: criteria provided, multiple submitters, no conflicts (2 of 4 stars). 2 submissions from 2 submitters: Likely benign (2). Last evaluated 2025-04-08.

Conditions:
INVS-related disorder. Also called: INVS-related condition.
Nephronophthisis. Also called: Juvenile Nephronophthisis. Identifiers: Orphanet 655, MedGen C0687120, MONDO:0019005, HP:0000090.

Allele frequency attached by ClinVar (database versions not stated): gnomAD exomes below 0.00001; TOPMed 0.00001.
gnomAD v4.1: 2 of 1,614,108 alleles (0.00012%); highest among the groups gnomAD compares: Admixed American, 0.0017%; no homozygotes.

Submissions (2):

PreventionGenetics, part of Exact Sciences
Classification: Likely benign for INVS-related condition. Last evaluated: 2025-04-08. Review status: criteria provided, single submitter. Criteria: ACMG Guidelines, 2015. Collection method: clinical testing. Allele origin: germline.
Comment: This variant is classified as likely benign based on ACMG/AMP sequence variant interpretation guidelines (Richards et al. 2015 PMID: 25741868, with internal and published modifications).

Labcorp Genetics (formerly Invitae), Labcorp
Classification: Likely benign for Nephronophthisis. Last evaluated: 2024-02-05. Review status: criteria provided, single submitter. Criteria: Invitae Variant Classification Sherloc (09022015). Collection method: clinical testing. Allele origin: germline.